The following is an entry in ClinVar:

ClinVar aggregate classification (germline): Uncertain significance (1 of 4 stars; one submission).

Conditions:
Hereditary cancer-predisposing syndrome. Also called: Tumor predisposition; Neoplastic Syndromes, Hereditary; Hereditary neoplastic syndrome; Hereditary Cancer Syndrome. Identifiers: Orphanet 140162, MedGen C0027672, MeSH D009386, MONDO:0015356.

Submission:

Ambry Genetics
Classification: Uncertain significance for Hereditary cancer-predisposing syndrome. Last evaluated: 2025-08-27. Review status: criteria provided, single submitter. Criteria: Ambry Variant Classification Scheme 2023. Collection method: clinical testing. Allele origin: germline.
Comment: The p.E480D variant (also known as c.1440A>C), located in coding exon 14 of the MUTYH gene, results from an A to C substitution at nucleotide position 1440. The glutamic acid at codon 480 is replaced by aspartic acid, an amino acid with highly similar properties. This amino acid position is conserved. In addition, this alteration is predicted to be tolerated by in silico analysis. Based on the available evidence, the clinical significance of this variant remains unclear.

NM_001048174.2(MUTYH):c.1356A>C (p.Glu452Asp)

Gene: MUTYH (mutY DNA glycosylase; minus strand). Cytogenetic location: 1p34.1.
Variant type: single nucleotide variant.
Coding change: c.1356A>C on transcript NM_001048174.2 (MANE Select); coding-DNA position 1356, A replaced by C.
Protein change: p.Glu452Asp; replaces glutamic acid 452 with aspartic acid.
Molecular consequence: missense variant. On other transcripts: non-coding transcript variant (7).
Genome position (GRCh38, 1-based): chr1:45,331,218, T>G on the plus strand (A>C on the coding strand, the complement: MUTYH is on the minus strand). VCF-style: chr1-45331218-T-G. GRCh37 (hg19) VCF-style: chr1-45796890-T-G.
Other names: c.1356A>C, p.Glu452Asp (NM_001048171.2, NM_001048173.2, NM_001293195.2 and 6 more transcripts); c.1359A>C, p.Glu453Asp (NM_001048172.2, NM_001407071.1, NM_001407086.1 and 1 more transcripts); c.1440A>C, p.Glu480Asp (NM_001128425.2); c.1401A>C, p.Glu467Asp (NM_001293190.2); c.1389A>C, p.Glu463Asp (NM_001293191.2, NM_001407069.1, NM_001407077.1); c.1080A>C, p.Glu360Asp (NM_001293192.2, NM_001293196.2, NM_001407091.1); c.1011A>C, p.Glu337Asp (NM_001350650.2, NM_001350651.2, NM_001407082.1); c.1377A>C, p.Glu459Asp (NM_001407087.1); and 5 more; short protein forms E424D, E453D, E463D, E477D, E480D, E452D, E467D, E360D.
Identifiers: ClinVar variation 4113251 (VCV004113251.1).